The following is an entry in ClinVar:

NC_000008.11:g.(?_99096292)_(99577653_?)del

Genes: MIR599 (microRNA 599; minus strand), MIR875 (microRNA 875; minus strand), VPS13B (vacuolar protein sorting 13 homolog B; plus strand). Cytogenetic location: 8q22.2.
Variant type: Deletion.
Identifiers: ClinVar variation 584321 (VCV000584321.1).

ClinVar aggregate classification (germline): Pathogenic (1 of 4 stars; one submission).

Conditions:
Cohen syndrome (COH1). Also called: PEPPER SYNDROME; Cutis verticis gyrata, retinitis pigmentosa, and sensorineural deafness. Identifiers: Orphanet 193, MedGen C0265223, MONDO:0008999, OMIM 216550.

Submission:

Labcorp Genetics (formerly Invitae), Labcorp
Classification: Pathogenic for Cohen syndrome. Last evaluated: 2018-05-18. Review status: criteria provided, single submitter. Criteria: Invitae Variant Classification Sherloc (09022015). Collection method: clinical testing. Allele origin: germline.
Comment: This variant is an in-frame deletion of the genomic region encompassing exons 4-33 of the VPS13B gene. It preserves the integrity of the reading frame. Deletion of exons 4-33 has not been reported in the literature in individuals with VPS13B-related disease. Smaller in-frame deletions encompassed by this variant (deletion of exons 20-21 or exons 18-21) have been reported in individuals affected with Cohen syndrome (PMID: 15141358, 16648375). For these reasons, this variant has been classified as Pathogenic.

Literature cited by the submitters: PubMed 15141358; PubMed 16648375.